The following is an entry in ClinVar:

NM_002474.3(MYH11):c.4535A>T (p.Glu1512Val)

Genes: MYH11 (myosin heavy chain 11; minus strand), NDE1 (nudE neurodevelopment protein 1; plus strand). Cytogenetic location: 16p13.11.
Variant type: single nucleotide variant.
Coding change: c.4535A>T on transcript NM_002474.3 (MANE Select); coding-DNA position 4535, A replaced by T.
Protein change: p.Glu1512Val; replaces glutamic acid 1512 with valine.
Molecular consequence: missense variant. On other transcripts: intron variant (2).
Genome position (GRCh38, 1-based): chr16:15,721,465, T>A on the plus strand (A>T on the coding strand, the complement: MYH11 is on the minus strand). VCF-style: chr16-15721465-T-A. GRCh37 (hg19) VCF-style: chr16-15815322-T-A.
Other names: c.4556A>T, p.Glu1519Val (NM_001040113.2, NM_001040114.2); c.4535A>T, p.Glu1512Val (NM_022844.3); c.948-2726T>A (NM_001143979.2, NM_017668.3); short protein forms E1512V, E1519V.
Identifiers: ClinVar variation 2625321 (VCV002625321.2), dbSNP rs1596721058, ClinGen allele CA394854956.

ClinVar aggregate classification (germline): Uncertain significance (1 of 4 stars; one submission).

Conditions:
Familial thoracic aortic aneurysm and aortic dissection (TAAD). Also called: Thoracic aortic aneurysms and dissections. Identifiers: Orphanet 91387, MedGen C4707243, MONDO:0019625.

Allele frequency attached by ClinVar (database versions not stated): gnomAD 0.00001.
gnomAD v4.1: 2 of 1,614,204 alleles (0.00012%); highest among the groups gnomAD compares: Admixed American, 0.0033%; no homozygotes.

Submission:

Ambry Genetics
Classification: Uncertain significance for Familial thoracic aortic aneurysm and aortic dissection. Last evaluated: 2023-06-28. Review status: criteria provided, single submitter. Criteria: Ambry Variant Classification Scheme 2023. Collection method: clinical testing. Allele origin: germline.
Comment: The p.E1512V variant (also known as c.4535A>T), located in coding exon 31 of the MYH11 gene, results from an A to T substitution at nucleotide position 4535. The glutamic acid at codon 1512 is replaced by valine, an amino acid with dissimilar properties. This amino acid position is conserved. In addition, the in silico prediction for this alteration is inconclusive. Since supporting evidence is limited at this time, the clinical significance of this alteration remains unclear.